The following is an entry in ClinVar:

NM_015602.4(TOR1AIP1):c.609T>C (p.Tyr203=)

Gene: TOR1AIP1 (torsin 1A interacting protein 1; plus strand). Cytogenetic location: 1q25.2.
Variant type: single nucleotide variant.
Coding change: c.609T>C on transcript NM_015602.4 (MANE Select); coding-DNA position 609, T replaced by C.
Protein change: p.Tyr203=; no amino-acid change (tyrosine 203 retained).
Molecular consequence: synonymous variant.
Genome position (GRCh38, 1-based): chr1:179,889,368, T>C. VCF-style: chr1-179889368-T-C. GRCh37 (hg19) VCF-style: chr1-179858503-T-C.
Other names: c.612T>C, p.Tyr204= (NM_001267578.2); c.612T>C (NM_001267578.1).
Identifiers: ClinVar variation 1011430 (VCV001011430.5), dbSNP rs200022019, ClinGen allele CA1268853.

ClinVar aggregate classification (germline): Benign. Review status: criteria provided, single submitter (1 of 4 stars). 2 submissions from 2 submitters: Benign (1). 1 of the submissions does not count toward it. Last evaluated 2025-03-11.

Conditions:
TOR1AIP1-related disorder. Also called: TOR1AIP1-related condition.
Autosomal recessive limb-girdle muscular dystrophy type 2Y (MRRSDC). Also called: Muscular dystrophy, limb-girdle, type 2y; Muscular dystrophy, autosomal recessive, with rigid spine and distal joint contractures. Identifiers: Orphanet 424261, MedGen C4511482, MONDO:0014900, OMIM 617072.

Allele frequency attached by ClinVar (database versions not stated): gnomAD exomes 0.00016 and 0.00007; 1000 Genomes Project 30x 0.00047; gnomAD 0.00005 and below 0.00001; 1000 Genomes Project 0.00060; TOPMed 0.00003; ExAC 0.00023.
gnomAD v4.1: 117 of 1,605,266 alleles (0.0073%); highest among the groups gnomAD compares: South Asian, 0.12%; 2 homozygotes.

Submissions (2):

Labcorp Genetics (formerly Invitae), Labcorp
Classification: Benign for Autosomal recessive limb-girdle muscular dystrophy type 2Y. Last evaluated: 2025-03-11. Review status: criteria provided, single submitter. Criteria: Invitae Variant Classification Sherloc (09022015). Collection method: clinical testing. Allele origin: germline.

PreventionGenetics, part of Exact Sciences
Classification: Likely benign for TOR1AIP1-related condition. Last evaluated: 2019-04-08. Review status: no assertion criteria provided. Collection method: clinical testing. Allele origin: germline. Not counted in ClinVar's aggregate classification.
Comment: This variant is classified as likely benign based on ACMG/AMP sequence variant interpretation guidelines (Richards et al. 2015 PMID: 25741868, with internal and published modifications).